The following is an entry in ClinVar:

NM_000038.6(APC):c.2089G>A (p.Ala697Thr)

Gene: APC (APC regulator of Wnt signaling pathway; plus strand). Cytogenetic location: 5q22.2.
Variant type: single nucleotide variant.
Coding change: c.2089G>A on transcript NM_000038.6 (MANE Select); coding-DNA position 2089, G replaced by A.
Protein change: p.Ala697Thr; replaces alanine 697 with threonine.
Molecular consequence: missense variant.
Genome position (GRCh38, 1-based): chr5:112,837,683, G>A. VCF-style: chr5-112837683-G-A. GRCh37 (hg19) VCF-style: chr5-112173380-G-A.
Other names: c.2089G>A, p.Ala697Thr (NM_001127510.3, NM_001354895.2); c.2035G>A, p.Ala679Thr (NM_001127511.3); c.2143G>A, p.Ala715Thr (NM_001354896.2); c.2119G>A, p.Ala707Thr (NM_001354897.2); c.2014G>A, p.Ala672Thr (NM_001354898.2); c.2005G>A, p.Ala669Thr (NM_001354899.2); c.1966G>A, p.Ala656Thr (NM_001354900.2); c.1912G>A, p.Ala638Thr (NM_001354901.2); and 5 more; short protein forms A414T, A537T, A571T, A596T, A606T, A638T, A656T, A669T.
Identifiers: ClinVar variation 1019564 (VCV001019564.10), dbSNP rs1765101899, ClinGen allele CA16025893.

ClinVar aggregate classification (germline): Uncertain significance (1 of 4 stars; one submission).

Conditions:
Familial adenomatous polyposis 1 (FAP1). Also called: POLYPOSIS, ADENOMATOUS INTESTINAL; FAMILIAL ADENOMATOUS POLYPOSIS 1, ATTENUATED. Identifiers: MedGen C2713442, MONDO:0021056, OMIM 175100. Disease mechanism: loss of function.

Submission:

Labcorp Genetics (formerly Invitae), Labcorp
Classification: Uncertain significance for Familial adenomatous polyposis 1. Last evaluated: 2023-08-10. Review status: criteria provided, single submitter. Criteria: Invitae Variant Classification Sherloc (09022015). Collection method: clinical testing. Allele origin: germline.
Comment: In summary, the available evidence is currently insufficient to determine the role of this variant in disease. Therefore, it has been classified as a Variant of Uncertain Significance. Advanced modeling of protein sequence and biophysical properties (such as structural, functional, and spatial information, amino acid conservation, physicochemical variation, residue mobility, and thermodynamic stability) performed at Invitae indicates that this missense variant is not expected to disrupt APC protein function. ClinVar contains an entry for this variant (Variation ID: 1019564). This variant has not been reported in the literature in individuals affected with APC-related conditions. This variant is not present in population databases (gnomAD no frequency). This sequence change replaces alanine, which is neutral and non-polar, with threonine, which is neutral and polar, at codon 697 of the APC protein (p.Ala697Thr).